The following is an entry in ClinVar:

ClinVar aggregate classification (germline): Uncertain significance. Review status: criteria provided, single submitter (1 of 4 stars). 2 submissions from 2 submitters: Uncertain significance (1). 1 of the submissions does not count toward it. Last evaluated 2025-10-13.

Conditions:
RB1-related disorder. Also called: RB1-related condition.
Retinoblastoma (RB1). Also called: RETINOBLASTOMA, SOMATIC. Identifiers: Orphanet 790, MedGen C0035335, MeSH D012175, MONDO:0008380, OMIM 180200, HP:0009919. Disease mechanism: loss of function. Inheritance: Both sporadic and heritable forms are tested..

Submissions (2):

Labcorp Genetics (formerly Invitae), Labcorp
Classification: Uncertain significance for Retinoblastoma. Last evaluated: 2025-10-13. Review status: criteria provided, single submitter. Criteria: Invitae Variant Classification Sherloc (09022015). Collection method: clinical testing. Allele origin: germline.
Comment: This variant occurs in a non-coding region of the RB1 gene. It does not change the encoded amino acid sequence of the RB1 protein. This variant is present in population databases (no rsID available, gnomAD 0.007%). This variant has not been reported in the literature in individuals affected with RB1-related conditions. Experimental studies and prediction algorithms are not available or were not evaluated, and the functional significance of this variant is currently unknown. In summary, the available evidence is currently insufficient to determine the role of this variant in disease. Therefore, it has been classified as a Variant of Uncertain Significance.

PreventionGenetics, part of Exact Sciences
Classification: Likely benign for RB1-related condition. Last evaluated: 2024-07-30. Review status: no assertion criteria provided. Collection method: clinical testing. Allele origin: germline. Not counted in ClinVar's aggregate classification.
Comment: This variant is classified as likely benign based on ACMG/AMP sequence variant interpretation guidelines (Richards et al. 2015 PMID: 25741868, with internal and published modifications).

NC_000013.11:g.48303695G>A

Genes: RB1 (RB transcriptional corepressor 1; plus strand), RB1-DT (RB1 divergent transcript; minus strand). Cytogenetic location: 13q14.2.
Variant type: single nucleotide variant.
Molecular consequence: non-coding transcript variant (on NR_046414.2).
Genome position: GRCh38 VCF-style: chr13-48303695-G-A. GRCh37 (hg19) VCF-style: chr13-48877831-G-A.
Identifiers: ClinVar variation 3350889 (VCV003350889.3).